The following is an entry in ClinVar:

NM_206933.4(USH2A):c.7025C>T (p.Ser2342Phe)

Gene: USH2A (usherin; minus strand). Cytogenetic location: 1q41.
Variant type: single nucleotide variant.
Coding change: c.7025C>T on transcript NM_206933.4 (MANE Select); coding-DNA position 7025, C replaced by T.
Protein change: p.Ser2342Phe; replaces serine 2342 with phenylalanine.
Molecular consequence: missense variant.
Genome position (GRCh38, 1-based): chr1:215,965,412, G>A on the plus strand (C>T on the coding strand, the complement: USH2A is on the minus strand). VCF-style: chr1-215965412-G-A. GRCh37 (hg19) VCF-style: chr1-216138754-G-A.
Other names: short protein forms S2342F.
Identifiers: ClinVar variation 842443 (VCV000842443.8), dbSNP rs1187620613, ClinGen allele CA344852297.
Genomic context (GRCh38, chr1:215,965,412, plus strand): 5'-GAGTGTGTTAAGAGTCCATTAGGGCGAAAAGGTGCTTCCCACCTCACGTGGGCTTTCCGG[G>A]ATCCCTGTGTTTTGACAAACACATTTACTGTTCCTTCAGGAGGAGCTTCTAGAGTTCGAT-3'
Protein context (NP_996816.3, residues 2332-2352): TVNVFVKTQG[Ser2342Phe]RKAHVRWEAP

ClinVar aggregate classification (germline): Uncertain significance. Review status: criteria provided, single submitter (1 of 4 stars). 2 submissions from 2 submitters: Uncertain significance (1). 1 of the submissions does not count toward it. Last evaluated 2022-07-19.

Conditions:
Usher syndrome type 2A. Also called: RETINAL DISEASE IN USHER SYNDROME TYPE IIA, MODIFIER OF; USHER SYNDROME, TYPE IIA. Identifiers: Orphanet 231178, Orphanet 886, MedGen C1848634, MONDO:0010169, OMIM 276901.

Allele frequency attached by ClinVar (database versions not stated): TOPMed below 0.00001.

Submissions (2):

Labcorp Genetics (formerly Invitae), Labcorp
Classification: Uncertain significance. Last evaluated: 2022-07-19. Review status: criteria provided, single submitter. Criteria: Invitae Variant Classification Sherloc (09022015). Collection method: clinical testing. Allele origin: germline.
Comment: This sequence change replaces serine, which is neutral and polar, with phenylalanine, which is neutral and non-polar, at codon 2342 of the USH2A protein (p.Ser2342Phe). This variant is not present in population databases (gnomAD no frequency). This missense change has been observed in individual(s) with clinical features of USH2A-related conditions (Invitae). ClinVar contains an entry for this variant (Variation ID: 842443). Algorithms developed to predict the effect of missense changes on protein structure and function are either unavailable or do not agree on the potential impact of this missense change (SIFT: "Deleterious"; PolyPhen-2: "Benign"; Align-GVGD: "Class C65"). In summary, the available evidence is currently insufficient to determine the role of this variant in disease. Therefore, it has been classified as a Variant of Uncertain Significance.

Natera, Inc.
Classification: Uncertain significance for Usher syndrome type 2A. Last evaluated: 2025-05-20. Review status: no assertion criteria provided. Collection method: clinical testing. Allele origin: germline. Not counted in ClinVar's aggregate classification.